The following is an entry in ClinVar:

NM_004744.5(LRAT):c.40G>T (p.Glu14Ter)

Gene: LRAT (lecithin retinol acyltransferase; plus strand). Cytogenetic location: 4q32.1.
Variant type: single nucleotide variant.
Coding change: c.40G>T on transcript NM_004744.5 (MANE Select); coding-DNA position 40, G replaced by T.
Protein change: p.Glu14Ter; replaces glutamic acid 14 with a stop codon.
Molecular consequence: nonsense.
Genome position (GRCh38, 1-based): chr4:154,744,366, G>T. VCF-style: chr4-154744366-G-T. GRCh37 (hg19) VCF-style: chr4-155665518-G-T.
Other names: c.40G>T, p.Glu14Ter (NM_001301645.2); short protein forms E14*.
Identifiers: ClinVar variation 667379 (VCV000667379.4), dbSNP rs768255532, ClinGen allele CA358629850.

ClinVar aggregate classification (germline): Likely pathogenic (1 of 4 stars; one submission).

Conditions:
Leber congenital amaurosis (LCA). Also called: Leber's amaurosis. Identifiers: Orphanet 65, MedGen C0339527, MeSH D057130, MONDO:0018998.

Allele frequency attached by ClinVar (database versions not stated): TOPMed 0.00001; gnomAD 0.00001.
gnomAD v4.1: 6 of 1,614,032 alleles (0.00037%); highest among the groups gnomAD compares: Non-Finnish European, 0.00051%; no homozygotes.

Submission:

Laboratory for Molecular Medicine, Mass General Brigham Personalized Medicine
Classification: Likely pathogenic for Leber congenital amaurosis. Last evaluated: 2018-12-27. Review status: criteria provided, single submitter. Criteria: LMM Criteria. Collection method: clinical testing. Allele origin: germline. Inheritance: Autosomal recessive inheritance. Observed: 1 variant allele.
Comment: The p.Glu14X variant in LRAT has not been previously reported in individuals wit h Leber congenital amaurosis and was absent from large population studies. This nonsense variant leads to a premature termination codon at position 14, which is predicted to lead to a truncated or absent protein. Loss of function of the LRA T gene is strongly associated with autosomal recessive Leber congenital amaurosi s. In summary, although additional studies are required to fully establish its c linical significance, this variant meets criteria to be classified as likely pat hogenic for Leber congenital amaurosis in an autosomal recessive manner. ACMG/AM P Criteria applied: PVS1_Strong, PM2.